The following is an entry in ClinVar:

ClinVar aggregate classification (germline): Uncertain significance (1 of 4 stars; one submission).

Conditions:
Mucopolysaccharidosis type 6 (MPS6). Also called: ARSB DEFICIENCY; ARYLSULFATASE B DEFICIENCY; MPS 6; Maroteaux Lamy syndrome; MPS VI; N-ACETYLGALACTOSAMINE-4-SULFATASE DEFICIENCY. Identifiers: Orphanet 583, MedGen C0026709, MONDO:0009661, OMIM 253200.

gnomAD v4.1: 16 of 1,613,932 alleles (0.00099%); highest among the groups gnomAD compares: East Asian, 0.0022%; no homozygotes.

Submission:

Labcorp Genetics (formerly Invitae), Labcorp
Classification: Uncertain significance for Mucopolysaccharidosis type 6. Last evaluated: 2024-07-16. Review status: criteria provided, single submitter. Criteria: Invitae Variant Classification Sherloc (09022015). Collection method: clinical testing. Allele origin: germline.
Comment: This sequence change replaces leucine, which is neutral and non-polar, with arginine, which is basic and polar, at codon 472 of the ARSB protein (p.Leu472Arg). This variant is not present in population databases (gnomAD no frequency). This variant has not been reported in the literature in individuals affected with ARSB-related conditions. Advanced modeling of protein sequence and biophysical properties (such as structural, functional, and spatial information, amino acid conservation, physicochemical variation, residue mobility, and thermodynamic stability) performed at Invitae indicates that this missense variant is expected to disrupt ARSB protein function with a positive predictive value of 80%. In summary, the available evidence is currently insufficient to determine the role of this variant in disease. Therefore, it has been classified as a Variant of Uncertain Significance.

NM_000046.5(ARSB):c.1415T>G (p.Leu472Arg)

Gene: ARSB (arylsulfatase B; minus strand). Cytogenetic location: 5q14.1.
Variant type: single nucleotide variant.
Coding change: c.1415T>G on transcript NM_000046.5 (MANE Select); coding-DNA position 1415, T replaced by G.
Protein change: p.Leu472Arg; replaces leucine 472 with arginine.
Molecular consequence: missense variant.
Genome position (GRCh38, 1-based): chr5:78,780,584, A>C on the plus strand (T>G on the coding strand, the complement: ARSB is on the minus strand). VCF-style: chr5-78780584-A-C. GRCh37 (hg19) VCF-style: chr5-78076407-A-C.
Other names: short protein forms L472R.
Identifiers: ClinVar variation 3618272 (VCV003618272.2).